The following is an entry in ClinVar:

NM_006186.4(NR4A2):c.17C>A (p.Ala6Glu)

Gene: NR4A2 (nuclear receptor subfamily 4 group A member 2; minus strand). Cytogenetic location: 2q24.1.
Variant type: single nucleotide variant.
Coding change: c.17C>A on transcript NM_006186.4 (MANE Select); coding-DNA position 17, C replaced by A.
Protein change: p.Ala6Glu; replaces alanine 6 with glutamic acid.
Molecular consequence: missense variant. On other transcripts: intron variant (1).
Genome position (GRCh38, 1-based): chr2:156,330,170, G>T on the plus strand (C>A on the coding strand, the complement: NR4A2 is on the minus strand). VCF-style: chr2-156330170-G-T. GRCh37 (hg19) VCF-style: chr2-157186682-G-T.
Other names: c.-13-160C>A (NM_173173.3); short protein forms A6E.
Identifiers: ClinVar variation 4988312 (VCV004988312.1).

ClinVar aggregate classification (germline): Uncertain significance (1 of 4 stars; one submission).

Conditions:
NR4A2-related disorder. Also called: NR4A2-related condition.

Submission:

PreventionGenetics, part of Exact Sciences
Classification: Uncertain significance for NR4A2-related condition. Last evaluated: 2025-08-16. Review status: criteria provided, single submitter. Criteria: ACMG Guidelines, 2015. Collection method: clinical testing. Allele origin: germline.
Comment: The NR4A2 c.17C>A variant is predicted to result in the amino acid substitution p.Ala6Glu. To our knowledge, this variant has not been reported in the literature. This variant is reported in 0.00090% of alleles in individuals of European (Non-Finnish) descent in gnomAD. At this time, the clinical significance of this variant is uncertain due to the absence of conclusive functional and genetic evidence.